The following is an entry in ClinVar:

ClinVar aggregate classification (germline): Likely benign. Review status: criteria provided, multiple submitters, no conflicts (2 of 4 stars). 4 submissions from 4 submitters: Likely benign (3). 1 of the submissions does not count toward it. Last evaluated 2025-12-21.

Conditions:
Epilepsy, progressive myoclonic, 1B. Also called: PME. Identifiers: Orphanet 308, MedGen C2676254, MONDO:0012904, OMIM 612437.
PRICKLE1-related disorder. Also called: PRICKLE1-related condition; PRICKLE1-Related Disorders. Identifiers: MedGen CN381536.

Allele frequency attached by ClinVar (database versions not stated): ExAC 0.00005; gnomAD 0.00008; gnomAD exomes 0.00012 and 0.00014; TOPMed 0.00012; ESP Exome Variant Server 0.00015.
gnomAD v4.1: 217 of 1,613,992 alleles (0.013%); highest among the groups gnomAD compares: Non-Finnish European, 0.017%; no homozygotes.

Submissions (4):

Labcorp Genetics (formerly Invitae), Labcorp
Classification: Likely benign for Epilepsy, progressive myoclonic, 1B. Last evaluated: 2025-12-21. Review status: criteria provided, single submitter. Criteria: Invitae Variant Classification Sherloc (09022015). Collection method: clinical testing. Allele origin: germline.

Blueprint Genetics
Classification: Likely benign. Last evaluated: 2023-05-11. Review status: criteria provided, single submitter. Criteria: ACMG Guidelines, 2015. Collection method: clinical testing. Allele origin: germline.

GeneDx
Classification: Likely benign. Last evaluated: 2016-10-27. Review status: criteria provided, single submitter. Criteria: GeneDx Variant Classification (06012015). Collection method: clinical testing. Allele origin: germline. Affected: yes.
Comment: This variant is considered likely benign or benign based on one or more of the following criteria: it is a conservative change, it occurs at a poorly conserved position in the protein, it is predicted to be benign by multiple in silico algorithms, and/or has population frequency not consistent with disease.

PreventionGenetics, part of Exact Sciences
Classification: Likely benign for PRICKLE1-related condition. Last evaluated: 2022-06-27. Review status: no assertion criteria provided. Collection method: clinical testing. Allele origin: germline. Not counted in ClinVar's aggregate classification.
Comment: This variant is classified as likely benign based on ACMG/AMP sequence variant interpretation guidelines (Richards et al. 2015 PMID: 25741868, with internal and published modifications).

NM_153026.3(PRICKLE1):c.2064T>C (p.Asn688=)

Gene: PRICKLE1 (prickle planar cell polarity protein 1; minus strand). Cytogenetic location: 12q12.
Variant type: single nucleotide variant.
Coding change: c.2064T>C on transcript NM_153026.3 (MANE Select); coding-DNA position 2064, T replaced by C.
Protein change: p.Asn688=; no amino-acid change (asparagine 688 retained).
Molecular consequence: synonymous variant.
Genome position (GRCh38, 1-based): chr12:42,460,241, A>G on the plus strand (T>C on the coding strand, the complement: PRICKLE1 is on the minus strand). VCF-style: chr12-42460241-A-G. GRCh37 (hg19) VCF-style: chr12-42854043-A-G.
Other names: c.2064T>C, p.Asn688= (NM_001144881.2, NM_001144882.2, NM_001144883.2).
Identifiers: ClinVar variation 385233 (VCV000385233.14), dbSNP rs199893979, ClinGen allele CA6519660.